The following is an entry in ClinVar:

ClinVar aggregate classification (germline): Uncertain significance. Review status: criteria provided, multiple submitters, no conflicts (2 of 4 stars). 2 submissions from 2 submitters: Uncertain significance (2). Last evaluated 2024-11-05.

Conditions:
Primary dilated cardiomyopathy (DCM). Also called: Dilated Cardiomyopathy. Identifiers: Orphanet 217604, MedGen C0007193, MeSH D002311, MONDO:0005021, HP:0001644. Inheritance: Various modes of inheritance.

Submissions (2):

Ambry Genetics
Classification: Uncertain significance. Last evaluated: 2024-11-05. Review status: criteria provided, single submitter. Criteria: Ambry Variant Classification Scheme 2023. Collection method: clinical testing. Allele origin: germline.
Comment: The p.N285D variant (also known as c.853A>G), located in coding exon 9 of the NEBL gene, results from an A to G substitution at nucleotide position 853. The asparagine at codon 285 is replaced by aspartic acid, an amino acid with highly similar properties. This amino acid position is conserved. In addition, this alteration is predicted to be tolerated by in silico analysis. Based on the available evidence, the clinical significance of this variant remains unclear.

Labcorp Genetics (formerly Invitae), Labcorp
Classification: Uncertain significance for Primary dilated cardiomyopathy. Last evaluated: 2019-04-19. Review status: criteria provided, single submitter. Criteria: Invitae Variant Classification Sherloc (09022015). Collection method: clinical testing. Allele origin: germline.
Comment: This sequence change replaces asparagine with aspartic acid at codon 285 of the NEBL protein (p.Asn285Asp). The asparagine residue is moderately conserved and there is a small physicochemical difference between asparagine and aspartic acid. This variant is not present in population databases (ExAC no frequency). This variant has not been reported in the literature in individuals with NEBL-related conditions. Algorithms developed to predict the effect of missense changes on protein structure and function output the following: SIFT: "Deleterious"; PolyPhen-2: "Benign"; Align-GVGD: "Class C0". The aspartic acid amino acid residue is found in multiple mammalian species, suggesting that this missense change does not adversely affect protein function. These predictions have not been confirmed by published functional studies and their clinical significance is uncertain. In summary, the available evidence is currently insufficient to determine the role of this variant in disease. Therefore, it has been classified as a Variant of Uncertain Significance.

NM_006393.3(NEBL):c.853A>G (p.Asn285Asp)

Gene: NEBL (nebulette; minus strand). Cytogenetic location: 10p12.31.
Variant type: single nucleotide variant.
Coding change: c.853A>G on transcript NM_006393.3 (MANE Select); coding-DNA position 853, A replaced by G.
Protein change: p.Asn285Asp; replaces asparagine 285 with aspartic acid.
Molecular consequence: missense variant. On other transcripts: intron variant (9).
Genome position (GRCh38, 1-based): chr10:20,858,290, T>C on the plus strand (A>G on the coding strand, the complement: NEBL is on the minus strand). VCF-style: chr10-20858290-T-C. GRCh37 (hg19) VCF-style: chr10-21147219-T-C.
Other names: c.250-45350A>G (NM_001377326.1, NM_001377327.1, NM_001377328.1); c.358-45350A>G (NM_213569.2, NM_001173484.2, NM_001377322.1); c.301-45350A>G (NM_001377324.1); c.292-45350A>G (NM_001377325.1); c.310-45350A>G (NM_001377323.1); short protein forms N285D.
Identifiers: ClinVar variation 947712 (VCV000947712.2), dbSNP rs1843299381, ClinGen allele CA376101668.